The following is an entry in ClinVar:

NM_001145809.2(MYH14):c.974C>G (p.Ala325Gly)

Gene: MYH14 (myosin heavy chain 14; plus strand). Cytogenetic location: 19q13.33.
Variant type: single nucleotide variant.
Coding change: c.974C>G on transcript NM_001145809.2 (MANE Select); coding-DNA position 974, C replaced by G.
Protein change: p.Ala325Gly; replaces alanine 325 with glycine.
Molecular consequence: missense variant.
Genome position (GRCh38, 1-based): chr19:50,231,930, C>G. VCF-style: chr19-50231930-C-G. GRCh37 (hg19) VCF-style: chr19-50735187-C-G.
Other names: c.974C>G, p.Ala325Gly (NM_001077186.2); c.950C>G, p.Ala317Gly (NM_024729.4); short protein forms A317G, A325G.
Identifiers: ClinVar variation 1303443 (VCV001303443.2), dbSNP rs1167586773, ClinGen allele CA406954689.
Genomic context (GRCh38, chr19:50,231,930, plus strand): 5'-CAGGATGAGTCTGACTGCACAGCCCACCTTTGACCTTGACCCCACTCATTGTCCCTGCAG[C>G]CGACCTCCTCCTCGAGCCCTGCTCCCACTACCGGTTCCTGACCAACGGGCCGTCATCCTC-3'
Protein context (NP_001139281.1, residues 315-335): LLGGAGEQLK[Ala325Gly]DLLLEPCSHY

ClinVar aggregate classification (germline): Uncertain significance (1 of 4 stars; one submission).

Allele frequency attached by ClinVar (database versions not stated): gnomAD exomes below 0.00001; TOPMed 0.00001.
gnomAD v4.1: 3 of 1,613,940 alleles (0.00019%); highest among the groups gnomAD compares: East Asian, 0.0067%; no homozygotes.

Submission:

GeneDx
Classification: Uncertain significance. Last evaluated: 2019-08-29. Review status: criteria provided, single submitter. Criteria: GeneDx Variant Classification Process June 2021. Collection method: clinical testing. Allele origin: germline. Affected: yes.
Comment: In silico analysis, which includes protein predictors and evolutionary conservation, supports that this variant does not alter protein structure/function; Has not been previously published as pathogenic or benign to our knowledge